The following is an entry in ClinVar:

NM_003119.4(SPG7):c.1123G>A (p.Gly375Ser)

Gene: SPG7 (SPG7 matrix AAA peptidase subunit, paraplegin; plus strand). Cytogenetic location: 16q24.3.
Variant type: single nucleotide variant.
Coding change: c.1123G>A on transcript NM_003119.4 (MANE Select); coding-DNA position 1123, G replaced by A.
Protein change: p.Gly375Ser; replaces glycine 375 with serine.
Molecular consequence: missense variant.
Genome position (GRCh38, 1-based): chr16:89,532,039, G>A. VCF-style: chr16-89532039-G-A. GRCh37 (hg19) VCF-style: chr16-89598447-G-A.
Other names: c.1123G>A, p.Gly375Ser (NM_001363850.1, NM_199367.3); short protein forms G375S.
Identifiers: ClinVar variation 2164952 (VCV002164952.4), dbSNP rs113633761, ClinGen allele CA8243943.

ClinVar aggregate classification (germline): Uncertain significance (1 of 4 stars; one submission).

Conditions:
Hereditary spastic paraplegia 7 (SPG7). Also called: Spastic paraplegia 7; Hereditary spastic paraplegia Paraplegin type; SPG7-related neurologic disorder; SPASTIC PARAPLEGIA 7, AUTOSOMAL RECESSIVE, WITH OR WITHOUT CEREBELLAR ATAXIA; Autosomal recessive spastic paraplegia type 7. Identifiers: Orphanet 99013, MedGen C1846564, MONDO:0011803, OMIM 607259.

Allele frequency attached by ClinVar (database versions not stated): gnomAD exomes below 0.00001; ExAC 0.00001; gnomAD 0.00001.
gnomAD v4.1: 6 of 1,613,138 alleles (0.00037%); highest among the groups gnomAD compares: Admixed American, 0.0017%; no homozygotes.

Submission:

Labcorp Genetics (formerly Invitae), Labcorp
Classification: Uncertain significance for Hereditary spastic paraplegia 7. Last evaluated: 2024-10-16. Review status: criteria provided, single submitter. Criteria: Invitae Variant Classification Sherloc (09022015). Collection method: clinical testing. Allele origin: germline.
Comment: This sequence change replaces glycine, which is neutral and non-polar, with serine, which is neutral and polar, at codon 375 of the SPG7 protein (p.Gly375Ser). This variant is present in population databases (rs113633761, gnomAD 0.0009%). This variant has not been reported in the literature in individuals affected with SPG7-related conditions. ClinVar contains an entry for this variant (Variation ID: 2164952). Invitae Evidence Modeling of protein sequence and biophysical properties (such as structural, functional, and spatial information, amino acid conservation, physicochemical variation, residue mobility, and thermodynamic stability) indicates that this missense variant is expected to disrupt SPG7 protein function with a positive predictive value of 80%. In summary, the available evidence is currently insufficient to determine the role of this variant in disease. Therefore, it has been classified as a Variant of Uncertain Significance.